The following is an entry in ClinVar:

NM_022089.4(ATP13A2):c.1589C>T (p.Pro530Leu)

Gene: ATP13A2 (ATPase cation transporting 13A2; minus strand). Cytogenetic location: 1p36.13.
Variant type: single nucleotide variant.
Coding change: c.1589C>T on transcript NM_022089.4 (MANE Select); coding-DNA position 1589, C replaced by T.
Protein change: p.Pro530Leu; replaces proline 530 with leucine.
Molecular consequence: missense variant.
Genome position (GRCh38, 1-based): chr1:16,993,789, G>A on the plus strand (C>T on the coding strand, the complement: ATP13A2 is on the minus strand). VCF-style: chr1-16993789-G-A. GRCh37 (hg19) VCF-style: chr1-17320284-G-A.
Other names: c.1574C>T, p.Pro525Leu (NM_001141973.3, NM_001141974.3); short protein forms P525L, P530L.
Identifiers: ClinVar variation 1363569 (VCV001363569.6), dbSNP rs2077019285, ClinGen allele CA338248931.

ClinVar aggregate classification (germline): Uncertain significance. Review status: criteria provided, multiple submitters, no conflicts (2 of 4 stars). 2 submissions from 2 submitters: Uncertain significance (2). Last evaluated 2022-05-27.

Conditions:
Autosomal recessive spastic paraplegia type 78. Identifiers: Orphanet 513436, MedGen C5567893, MONDO:0014975, OMIM 617225.
Kufor-Rakeb syndrome (KRS). Also called: PARKINSON DISEASE 9, AUTOSOMAL RECESSIVE, JUVENILE-ONSET. Identifiers: Orphanet 306674, Orphanet 314632, MedGen C1847640, MONDO:0011706, OMIM 606693.

Allele frequency attached by ClinVar (database versions not stated): gnomAD exomes below 0.00001.
gnomAD v4.1: 1 of 1,585,242 alleles (0.000063%); highest among the groups gnomAD compares: Non-Finnish European, 0.000086%; no homozygotes.

Submissions (2):

Labcorp Genetics (formerly Invitae), Labcorp
Classification: Uncertain significance for Kufor-Rakeb syndrome; Autosomal recessive spastic paraplegia type 78. Last evaluated: 2022-05-27. Review status: criteria provided, single submitter. Criteria: Invitae Variant Classification Sherloc (09022015). Collection method: clinical testing. Allele origin: germline.
Comment: This sequence change replaces proline, which is neutral and non-polar, with leucine, which is neutral and non-polar, at codon 530 of the ATP13A2 protein (p.Pro530Leu). In summary, the available evidence is currently insufficient to determine the role of this variant in disease. Therefore, it has been classified as a Variant of Uncertain Significance. Advanced modeling of protein sequence and biophysical properties (such as structural, functional, and spatial information, amino acid conservation, physicochemical variation, residue mobility, and thermodynamic stability) performed at Invitae indicates that this missense variant is not expected to disrupt ATP13A2 protein function. This variant has not been reported in the literature in individuals affected with ATP13A2-related conditions. This variant is not present in population databases (gnomAD no frequency).

Neuberg Centre For Genomic Medicine, NCGM
Classification: Uncertain significance for Autosomal recessive spastic paraplegia type 78. Review status: criteria provided, single submitter. Criteria: ACMG Guidelines, 2015. Collection method: clinical testing. Allele origin: germline. Inheritance: Autosomal recessive inheritance. Affected: yes.
Comment: The missense variant in c.1589C>T (p.Pro530Leu) in ATP13A2 gene has not been reported previously as a pathogenic variant nor as a benign variant, to our knowledge. The p.Pro530Leu variant is novel (not in any individuals) in gnomAD Exomes and 1000 Genomes. The amino acid Pro at position 530 is changed to a Leu changing protein sequence and it might alter its composition and physico-chemical properties. The variant is predicted to be damaging by SIFT and the residue is conserved across species. The amino acid change p.Pro530Leu in ATP13A2 is predicted as conserved by GERP++ and PhyloP across 100 vertebrates. For these reasons, this variant has been classified as Uncertain Significance (VUS). In the absence of another reportable variant/CNV, the molecular diagnosis is not confirmed.